The following is an entry in ClinVar:

NM_001267550.2(TTN):c.64449dup (p.Leu21484fs)

Genes: TTN (titin; minus strand), TTN-AS1 (TTN antisense RNA 1; plus strand). Cytogenetic location: 2q31.2.
Variant type: Duplication.
Coding change: c.64449dup on transcript NM_001267550.2 (MANE Select); coding-DNA position 64449, one base duplicated (A; older notation c.64449dupA).
Protein change: p.Leu21484fs; shifts the reading frame from leucine 21484.
Molecular consequence: frameshift variant.
Genome position (GRCh38, 1-based): chr2:178,585,295, T duplicated on the plus strand (A on the coding strand, the reverse complement: TTN is on the minus strand); the first of 6 consecutive T bases (chr2:178,585,295-178,585,300); duplicating any one gives the same sequence. VCF-style (leftmost placement, unchanged base first): chr2-178585294-G-GT. GRCh37 (hg19) VCF-style: chr2-179450021-G-GT.
Other names: c.64449dup (NM_001267550.1); c.59526dup, p.Leu19843fs (NM_001256850.1); c.37254dup, p.Leu12419fs (NM_003319.4); c.56745dup, p.Leu18916fs (NM_133378.4); c.37629dup, p.Leu12544fs (NM_133432.3); c.37830dup, p.Leu12611fs (NM_133437.4); short protein forms L12419fs, L12544fs, L12611fs, L18916fs, L19843fs, L21484fs.
Identifiers: ClinVar variation 4530835 (VCV004530835.2).
Genomic context (GRCh38, chr2:178,585,294, plus strand): 5'-CTCCTTTTTTCCATTTACAGGTGGGATGAGGCTTTCCATACACATGGGCTTCAATTCGGA[G>GT]TTTTTTCCCAGCTTTGATAGTTATTTGCTCTGGCATAAGGATCTTTGGTGGCACTGAAAG-3'

ClinVar aggregate classification (germline): Likely pathogenic. Review status: criteria provided, multiple submitters, no conflicts (2 of 4 stars). 2 submissions from 2 submitters: Likely pathogenic (2). Last evaluated 2025-06-17.

Conditions:
Autosomal recessive limb-girdle muscular dystrophy type 2J (LGMDR10). Also called: Limb-girdle muscular dystrophy, type 2J; MUSCULAR DYSTROPHY, LIMB-GIRDLE, AUTOSOMAL RECESSIVE 10. Identifiers: Orphanet 140922, MedGen C1837342, MONDO:0012127, OMIM 608807.
Dilated cardiomyopathy 1G (CMD1G). Identifiers: Orphanet 154, MedGen C1858763, MONDO:0011400, OMIM 604145.

Submissions (2):

Labcorp Genetics (formerly Invitae), Labcorp
Classification: Likely pathogenic for Dilated cardiomyopathy 1G; Autosomal recessive limb-girdle muscular dystrophy type 2J. Last evaluated: 2025-06-17. Review status: criteria provided, single submitter. Criteria: Invitae Variant Classification Sherloc (09022015). Collection method: clinical testing. Allele origin: germline.
Comment: This sequence change creates a premature translational stop signal (p.Leu21484Thrfs*4) in the TTN gene. While this is not anticipated to result in nonsense mediated decay, it is expected to create a truncated TTN protein. This variant is present in population databases (no rsID available, gnomAD 0.007%). This variant has not been reported in the literature in individuals affected with TTN-related conditions. This variant is located in the A band of TTN (PMID: 25589632). Truncating variants in this region are significantly overrepresented in patients affected with dilated cardiomyopathy (PMID: 25589632). Truncating variants in this region have also been reported in individuals affected with autosomal recessive centronuclear myopathy (PMID: 23975875). In summary, the currently available evidence indicates that the variant is pathogenic, but additional data are needed to prove that conclusively. Therefore, this variant has been classified as Likely Pathogenic.

GeneDx
Classification: Likely pathogenic. Last evaluated: 2025-05-23. Review status: criteria provided, single submitter. Criteria: GeneDx Variant Classification Process June 2021. Collection method: clinical testing. Allele origin: germline. Affected: yes.
Comment: Frameshift variant predicted to result in protein truncation or nonsense mediated decay in a gene for which loss of function is a known mechanism of disease; Located in the A-band, a region of TTN for which truncating variants are significantly associated with autosomal dominant cardiomyopathy and also with autosomal recessive skeletal myopathies (PMID: 22335739, 32778822); Reported in association with DCM; no patient-specific details were provided (PMID: 37652022); Not observed at significant frequency in large population cohorts (gnomAD); This variant is associated with the following publications: (PMID: 37652022, 22335739, 32778822)

Literature cited by the submitters: PubMed 25589632 (cited by Labcorp Genetics (formerly Invitae), Labcorp); PubMed 23975875 (cited by Labcorp Genetics (formerly Invitae), Labcorp).